The following is an entry in ClinVar:

NM_000260.4(MYO7A):c.6237+1G>A

Gene: MYO7A (myosin VIIA; plus strand). Cytogenetic location: 11q13.5.
Variant type: single nucleotide variant.
Coding change: c.6237+1G>A on transcript NM_000260.4 (MANE Select); the canonical splice donor site of the intron after coding-DNA position 6237, G replaced by A.
Molecular consequence: splice donor variant.
Genome position (GRCh38, 1-based): chr11:77,211,338, G>A. VCF-style: chr11-77211338-G-A. GRCh37 (hg19) VCF-style: chr11-76922383-G-A.
Other names: c.6090+1G>A (NM_001369365.1); c.6123+1G>A (NM_001127180.2).
Identifiers: ClinVar variation 627467 (VCV000627467.10), dbSNP rs1338605788, ClinGen allele CA381936385.

ClinVar aggregate classification (germline): Conflicting classifications of pathogenicity. Review status: criteria provided, conflicting classifications (1 of 4 stars). 3 submissions from 3 submitters: Likely pathogenic (1); Uncertain significance (1). 1 of the submissions does not count toward it. Last evaluated 2026-02-23.

Conditions:
Autosomal recessive nonsyndromic hearing loss 2. Also called: DEAFNESS, AUTOSOMAL RECESSIVE 2; NEUROSENSORY NONSYNDROMIC RECESSIVE DEAFNESS 2. Identifiers: Orphanet 90636, MedGen C1838701, MONDO:0010807, OMIM 600060.
Usher syndrome type 1 (USH1). Also called: RETINITIS PIGMENTOSA AND CONGENITAL DEAFNESS. Identifiers: Orphanet 231169, Orphanet 886, MedGen C1568247, MONDO:0010168, OMIM 276900.

Submissions (3):

Myriad Genetics, Inc.
Classification: Uncertain significance for Usher syndrome type 1. Last evaluated: 2026-02-23. Review status: criteria provided, single submitter. Criteria: Myriad Autosomal Dominant, Autosomal Recessive and X-Linked Classification Criteria (2023). Collection method: clinical testing. Allele origin: unknown.
Comment: NM_000260.3(MYO7A):c.6237+1G>A is a variant in a canonical splice site classified as a variant of uncertain significance in the context of MYO7A-related disorders. c.6237+1G>A has been observed in a case with relevant disease (PMID: 31541171). Relevant functional assessments of this variant are not available in the literature. c.6237+1G>A has not been observed in referenced population frequency databases. In summary, there is insufficient evidence to classify NM_000260.3(MYO7A):c.6237+1G>A as pathogenic or benign. Please note: this variant was assessed in the context of healthy population screening.

Labcorp Genetics (formerly Invitae), Labcorp
Classification: Likely pathogenic. Last evaluated: 2020-12-19. Review status: criteria provided, single submitter. Criteria: Invitae Variant Classification Sherloc (09022015). Collection method: clinical testing. Allele origin: germline.
Comment: Algorithms developed to predict the effect of sequence changes on RNA splicing suggest that this variant may disrupt the consensus splice site, but this prediction has not been confirmed by published transcriptional studies. This variant has not been reported in the literature in individuals with MYO7A-related conditions. ClinVar contains an entry for this variant (Variation ID: 627467). This variant is not present in population databases (ExAC no frequency). This sequence change affects a donor splice site in intron 45 of the MYO7A gene. It is expected to disrupt RNA splicing. Variants that disrupt the donor or acceptor splice site typically lead to a loss of protein function (PMID: 16199547), and loss-of-function variants in MYO7A are known to be pathogenic (PMID: 8900236, 25404053). In summary, the currently available evidence indicates that the variant is pathogenic, but additional data are needed to prove that conclusively. Therefore, this variant has been classified as Likely Pathogenic.

Genetic Testing Center for Deafness, Department of Otolaryngology Head & Neck Surgery, Institute of Otolaryngology, Chinese PLA General Hospital
Classification: Likely pathogenic for Autosomal recessive nonsyndromic hearing loss 2. Last evaluated: 2019-02-26. Review status: no assertion criteria provided. Collection method: case-control. Allele origin: inherited. Affected: yes. Observed: 1 variant allele. Not counted in ClinVar's aggregate classification.

Literature cited by the submitters: PubMed 31541171 (cited by Myriad Genetics, Inc.); PubMed 16199547 (cited by Labcorp Genetics (formerly Invitae), Labcorp); PubMed 8900236 (cited by Labcorp Genetics (formerly Invitae), Labcorp); PubMed 25404053 (cited by Labcorp Genetics (formerly Invitae), Labcorp).